The following is an entry in ClinVar:

ClinVar aggregate classification (germline): Conflicting classifications of pathogenicity. Review status: criteria provided, conflicting classifications (1 of 4 stars). 4 submissions from 4 submitters: Likely pathogenic (2); Uncertain significance (1). 1 of the submissions does not count toward it. Last evaluated 2025-07-13.

Conditions:
Leukodystrophy, hypomyelinating, 8, with or without oligodontia and/or hypogonadotropic hypogonadism. Also called: LEUKODYSTROPHY, HYPOMYELINATING, 8, WITH HYPODONTIA AND HYPOGONADOTROPIC HYPOGONADISM; Hypomyelinating leukodystrophy 8 with or without oligodontia and-or hypogonadotropic hypogonadism; Endosteal sclerosis-cerebellar hypoplasia syndrome. Identifiers: Orphanet 85186, Orphanet 88637, MedGen C3280644, MONDO:0013722, OMIM 614381.

Allele frequency attached by ClinVar (database versions not stated): TOPMed 0.00001.
gnomAD v4.1: 6 of 1,578,388 alleles (0.00038%); highest among the groups gnomAD compares: Middle Eastern, 0.033%; no homozygotes.

Submissions (4):

GeneDx
Classification: Likely pathogenic. Last evaluated: 2025-07-13. Review status: criteria provided, single submitter. Criteria: GeneDx Variant Classification Process June 2021. Collection method: clinical testing. Allele origin: germline. Affected: yes.
Comment: Not observed at significant frequency in large population cohorts (gnomAD); In silico analysis supports that this missense variant has a deleterious effect on protein structure/function; This variant is associated with the following publications: (PMID: 26478204, 32553838)

Genomic Medicine Center of Excellence, King Faisal Specialist Hospital and Research Centre
Classification: Likely pathogenic for Leukodystrophy, hypomyelinating, 8, with or without oligodontia and/or hypogonadotropic hypogonadism. Last evaluated: 2024-09-22. Review status: criteria provided, single submitter. Criteria: ACMG Guidelines, 2015. Collection method: clinical testing. Allele origin: germline.

Labcorp Genetics (formerly Invitae), Labcorp
Classification: Uncertain significance. Last evaluated: 2024-02-09. Review status: criteria provided, single submitter. Criteria: Invitae Variant Classification Sherloc (09022015). Collection method: clinical testing. Allele origin: germline.
Comment: This sequence change replaces glutamic acid, which is acidic and polar, with lysine, which is basic and polar, at codon 647 of the POLR3B protein (p.Glu647Lys). This variant is not present in population databases (gnomAD no frequency). This missense change has been observed in individual(s) with clinical features of hypomyelinating leukodystrophy (PMID: 26478204). In at least one individual the data is consistent with being in trans (on the opposite chromosome) from a pathogenic variant. It has also been observed to segregate with disease in related individuals. ClinVar contains an entry for this variant (Variation ID: 1184066). Advanced modeling of protein sequence and biophysical properties (such as structural, functional, and spatial information, amino acid conservation, physicochemical variation, residue mobility, and thermodynamic stability) has been performed at Invitae for this missense variant, however the output from this modeling did not meet the statistical confidence thresholds required to predict the impact of this variant on POLR3B protein function. In summary, the available evidence is currently insufficient to determine the role of this variant in disease. Therefore, it has been classified as a Variant of Uncertain Significance.

GeneReviews
No classification provided. Condition: Leukodystrophy, hypomyelinating, 8, with or without oligodontia and/or hypogonadotropic hypogonadism. Review status: no classification provided. Collection method: literature only. Allele origin: germline. Not counted in ClinVar's aggregate classification.

Literature cited by the submitters: PubMed 26478204 (cited by Labcorp Genetics (formerly Invitae), Labcorp and GeneReviews); PubMed 22855961 (cited by GeneReviews).

NM_018082.6(POLR3B):c.1939G>A (p.Glu647Lys)

Gene: POLR3B (RNA polymerase III subunit B; plus strand). Cytogenetic location: 12q23.3.
Variant type: single nucleotide variant.
Coding change: c.1939G>A on transcript NM_018082.6 (MANE Select); coding-DNA position 1939, G replaced by A.
Protein change: p.Glu647Lys; replaces glutamic acid 647 with lysine.
Molecular consequence: missense variant.
Genome position (GRCh38, 1-based): chr12:106,437,763, G>A. VCF-style: chr12-106437763-G-A. GRCh37 (hg19) VCF-style: chr12-106831541-G-A.
Other names: c.1765G>A, p.Glu589Lys (NM_001160708.2); short protein forms E589K, E647K.
Identifiers: ClinVar variation 1184066 (VCV001184066.8), dbSNP rs755658678, ClinGen allele CA243188359.